The following is an entry in ClinVar:

NM_032043.3(BRIP1):c.1965C>G (p.Pro655=)

Gene: BRIP1 (BRCA1 interacting DNA helicase 1; minus strand). Cytogenetic location: 17q23.2.
Variant type: single nucleotide variant.
Coding change: c.1965C>G on transcript NM_032043.3 (MANE Select); coding-DNA position 1965, C replaced by G.
Protein change: p.Pro655=; no amino-acid change (proline 655 retained).
Molecular consequence: synonymous variant.
Genome position (GRCh38, 1-based): chr17:61,776,533, G>C on the plus strand (C>G on the coding strand, the complement: BRIP1 is on the minus strand). VCF-style: chr17-61776533-G-C. GRCh37 (hg19) VCF-style: chr17-59853894-G-C.
Identifiers: ClinVar variation 3378552 (VCV003378552.1).

ClinVar aggregate classification (germline): Benign (1 of 4 stars; one submission).

Conditions:
Familial cancer of breast. Also called: hereditary breast carcinoma; Hereditary breast cancer; BREAST CANCER, FAMILIAL. Identifiers: Orphanet 227535, MedGen C0346153, MONDO:0016419, OMIM 114480. Disease mechanism: loss of function.

Submission:

Myriad Genetics, Inc.
Classification: Benign for Familial cancer of breast. Last evaluated: 2024-08-30. Review status: criteria provided, single submitter. Criteria: Myriad Autosomal Dominant, Autosomal Recessive and X-Linked Classification Criteria (2023). Collection method: clinical testing. Allele origin: unknown.
Comment: This variant is considered benign. This variant is a silent/synonymous amino acid change and it is not expected to impact splicing.